The following is an entry in ClinVar:

NM_012123.4(MTO1):c.635G>A (p.Arg212His)

Gene: MTO1 (mitochondrial tRNA translation optimization 1; plus strand). Cytogenetic location: 6q13.
Variant type: single nucleotide variant.
Coding change: c.635G>A on transcript NM_012123.4 (MANE Select); coding-DNA position 635, G replaced by A.
Protein change: p.Arg212His; replaces arginine 212 with histidine.
Molecular consequence: missense variant.
Genome position (GRCh38, 1-based): chr6:73,473,464, G>A. VCF-style: chr6-73473464-G-A. GRCh37 (hg19) VCF-style: chr6-74183187-G-A.
Other names: c.635G>A, p.Arg212His (NM_001123226.2, NM_133645.3); short protein forms R212H.
Identifiers: ClinVar variation 1408565 (VCV001408565.3), dbSNP rs750101940, ClinGen allele CA3889413.

ClinVar aggregate classification (germline): Uncertain significance (1 of 4 stars; one submission).

Conditions:
Mitochondrial hypertrophic cardiomyopathy with lactic acidosis due to MTO1 deficiency. Also called: CARDIOMYOPATHY, INFANTILE HYPERTROPHIC MITOCHONDRIAL, AND LACTIC ACIDOSIS; Combined oxidative phosphorylation deficiency 10. Identifiers: Orphanet 314637, MedGen C4749921, MONDO:0013865, OMIM 614702.

Allele frequency attached by ClinVar (database versions not stated): gnomAD 0.00001; gnomAD exomes 0.00001 and 0.00004; TOPMed 0.00001; ExAC 0.00006.
gnomAD v4.1: 19 of 1,614,032 alleles (0.0012%); highest among the groups gnomAD compares: South Asian, 0.0077%; no homozygotes.

Submission:

Labcorp Genetics (formerly Invitae), Labcorp
Classification: Uncertain significance for Mitochondrial hypertrophic cardiomyopathy with lactic acidosis due to MTO1 deficiency. Last evaluated: 2022-01-17. Review status: criteria provided, single submitter. Criteria: Invitae Variant Classification Sherloc (09022015). Collection method: clinical testing. Allele origin: germline.
Comment: This sequence change replaces arginine, which is basic and polar, with histidine, which is basic and polar, at codon 212 of the MTO1 protein (p.Arg212His). This variant is present in population databases (rs750101940, gnomAD 0.007%). This variant has not been reported in the literature in individuals affected with MTO1-related conditions. Algorithms developed to predict the effect of missense changes on protein structure and function are either unavailable or do not agree on the potential impact of this missense change (SIFT: "Deleterious"; PolyPhen-2: "Probably Damaging"; Align-GVGD: "Class C0"). In summary, the available evidence is currently insufficient to determine the role of this variant in disease. Therefore, it has been classified as a Variant of Uncertain Significance.